The following is an entry in ClinVar:

ClinVar aggregate classification (germline): Uncertain significance (1 of 4 stars; one submission).

Submission:

Labcorp Genetics (formerly Invitae), Labcorp
Classification: Uncertain significance. Last evaluated: 2025-07-22. Review status: criteria provided, single submitter. Criteria: Invitae Variant Classification Sherloc (09022015). Collection method: clinical testing. Allele origin: germline.
Comment: This sequence change replaces proline, which is neutral and non-polar, with threonine, which is neutral and polar, at codon 1356 of the COL11A1 protein (p.Pro1356Thr). This variant is not present in population databases (gnomAD no frequency). This variant has not been reported in the literature in individuals affected with COL11A1-related conditions. ClinVar contains an entry for this variant (Variation ID: 1519615). Invitae Evidence Modeling of protein sequence and biophysical properties (such as structural, functional, and spatial information, amino acid conservation, physicochemical variation, residue mobility, and thermodynamic stability) indicates that this missense variant is not expected to disrupt COL11A1 protein function with a negative predictive value of 80%. In summary, the available evidence is currently insufficient to determine the role of this variant in disease. Therefore, it has been classified as a Variant of Uncertain Significance.

NM_001854.4(COL11A1):c.4066C>A (p.Pro1356Thr)

Gene: COL11A1 (collagen type XI alpha 1 chain; minus strand). Cytogenetic location: 1p21.1.
Variant type: single nucleotide variant.
Coding change: c.4066C>A on transcript NM_001854.4 (MANE Select); coding-DNA position 4066, C replaced by A.
Protein change: p.Pro1356Thr; replaces proline 1356 with threonine.
Molecular consequence: missense variant. On other transcripts: non-coding transcript variant (1).
Genome position (GRCh38, 1-based): chr1:102,912,179, G>T on the plus strand (C>A on the coding strand, the complement: COL11A1 is on the minus strand). VCF-style: chr1-102912179-G-T. GRCh37 (hg19) VCF-style: chr1-103377735-G-T.
Other names: c.3949C>A, p.Pro1317Thr (NM_001190709.2); c.4102C>A, p.Pro1368Thr (NM_080629.3); c.3718C>A, p.Pro1240Thr (NM_080630.4); short protein forms P1317T, P1368T, P1240T, P1356T.
Identifiers: ClinVar variation 1519615 (VCV001519615.6), dbSNP rs772400369, ClinGen allele CA341160187.
Genomic context (GRCh38, chr1:102,912,179, plus strand): 5'-AATGAGCATATGTTTCAAATAAAGAATTAAAGAAACTTACTCGTTTTCCAGGAGGACCTG[G>T]TGGGCCAGCCTCACCAGATGGGCCAGGAGGACCCTATAAAATGTGAAAAAATACCTTTAA-3'
Protein context (NP_001845.3, residues 1346-1366): PPGPSGEAGP[Pro1356Thr]GPPGKRGPPG